The following is an entry in ClinVar:

NM_032043.3(BRIP1):c.1668C>A (p.Tyr556Ter)

Gene: BRIP1 (BRCA1 interacting DNA helicase 1; minus strand). Cytogenetic location: 17q23.2.
Variant type: single nucleotide variant.
Coding change: c.1668C>A on transcript NM_032043.3 (MANE Select); coding-DNA position 1668, C replaced by A.
Protein change: p.Tyr556Ter; replaces tyrosine 556 with a stop codon.
Molecular consequence: nonsense.
Genome position (GRCh38, 1-based): chr17:61,780,966, G>T on the plus strand (C>A on the coding strand, the complement: BRIP1 is on the minus strand). VCF-style: chr17-61780966-G-T. GRCh37 (hg19) VCF-style: chr17-59858327-G-T.
Other names: short protein forms Y556*.
Identifiers: ClinVar variation 4787299 (VCV004787299.1).

ClinVar aggregate classification (germline): Pathogenic (1 of 4 stars; one submission).

Conditions:
Fanconi anemia complementation group J. Also called: BRIP1-Related Fanconi Anemia. Identifiers: Orphanet 84, MedGen C1836860, MONDO:0012187, OMIM 609054.
Familial cancer of breast. Also called: BREAST CANCER, FAMILIAL; Hereditary breast cancer; hereditary breast carcinoma. Identifiers: Orphanet 227535, MedGen C0346153, MONDO:0016419, OMIM 114480. Disease mechanism: loss of function.

Submission:

Labcorp Genetics (formerly Invitae), Labcorp
Classification: Pathogenic for Familial cancer of breast; Fanconi anemia complementation group J. Last evaluated: 2026-01-18. Review status: criteria provided, single submitter. Criteria: Invitae Variant Classification Sherloc (09022015). Collection method: clinical testing. Allele origin: germline.
Comment: This sequence change creates a premature translational stop signal (p.Tyr556*) in the BRIP1 gene. It is expected to result in an absent or disrupted protein product. Loss-of-function variants in BRIP1 are known to be pathogenic (PMID: 16116423, 17033622, 21964575). This variant is not present in population databases (gnomAD no frequency). This variant has not been reported in the literature in individuals affected with BRIP1-related conditions. For these reasons, this variant has been classified as Pathogenic.

Literature cited by the submitters: PubMed 16116423; PubMed 17033622; PubMed 21964575.